The following is an entry in ClinVar:

ClinVar aggregate classification (germline): Uncertain significance (1 of 4 stars; one submission).

Conditions:
COL18A1-related disorder. Also called: COL18A1-related disorders; COL18A1-related condition.

gnomAD v4.1: 13 of 1,538,534 alleles (0.00084%); highest among the groups gnomAD compares: East Asian, 0.0025%; no homozygotes.

Submission:

PreventionGenetics, part of Exact Sciences
Classification: Uncertain significance for COL18A1-related condition. Last evaluated: 2026-07-08. Review status: criteria provided, single submitter. Criteria: ACMG Guidelines, 2015. Collection method: clinical testing. Allele origin: germline.
Comment: The COL18A1 c.1276G>A variant is predicted to result in the amino acid substitution p.Gly426Ser. To our knowledge, this variant has not been previously reported in the literature in association with retinal disease. This variant has not been reported in a large population database (gnomAD), indicating this variant is rare. At this time, the clinical significance of this variant is uncertain due to the absence of conclusive functional and genetic evidence.

NM_001379500.1(COL18A1):c.107-11436G>A

Gene: COL18A1 (collagen type XVIII alpha 1 chain; plus strand). Cytogenetic location: 21q22.3.
Variant type: single nucleotide variant.
Coding change: c.107-11436G>A on transcript NM_001379500.1 (MANE Select); 11436 bases into the intron before coding-DNA position 107, G replaced by A.
Molecular consequence: intron variant. On other transcripts: missense variant (1).
Genome position (GRCh38, 1-based): chr21:45,456,806, G>A. VCF-style: chr21-45456806-G-A. GRCh37 (hg19) VCF-style: chr21-46876720-G-A.
Other names: c.1276G>A, p.Gly426Ser (NM_130444.3); c.646+630G>A (NM_030582.4); short protein forms G426S.
Identifiers: ClinVar variation 4978176 (VCV004978176.1).